The following is an entry in ClinVar:

ClinVar aggregate classification (germline): Uncertain significance (1 of 4 stars; one submission).

Submission:

Labcorp Genetics (formerly Invitae), Labcorp
Classification: Uncertain significance. Last evaluated: 2023-12-16. Review status: criteria provided, single submitter. Criteria: Invitae Variant Classification Sherloc (09022015). Collection method: clinical testing. Allele origin: germline.
Comment: This sequence change replaces aspartic acid, which is acidic and polar, with tyrosine, which is neutral and polar, at codon 924 of the ERBB2 protein (p.Asp924Tyr). This variant is not present in population databases (gnomAD no frequency). This variant has not been reported in the literature in individuals affected with ERBB2-related conditions. Advanced modeling of protein sequence and biophysical properties (such as structural, functional, and spatial information, amino acid conservation, physicochemical variation, residue mobility, and thermodynamic stability) performed at Invitae indicates that this missense variant is not expected to disrupt ERBB2 protein function with a negative predictive value of 80%. In summary, the available evidence is currently insufficient to determine the role of this variant in disease. Therefore, it has been classified as a Variant of Uncertain Significance.

NM_004448.4(ERBB2):c.2770G>T (p.Asp924Tyr)

Gene: ERBB2 (erb-b2 receptor tyrosine kinase 2; plus strand). Cytogenetic location: 17q12.
Variant type: single nucleotide variant.
Coding change: c.2770G>T on transcript NM_004448.4 (MANE Select); coding-DNA position 2770, G replaced by T.
Protein change: p.Asp924Tyr; replaces aspartic acid 924 with tyrosine.
Molecular consequence: missense variant. On other transcripts: non-coding transcript variant (1), intron variant (1).
Genome position (GRCh38, 1-based): chr17:39,725,751, G>T. VCF-style: chr17-39725751-G-T. GRCh37 (hg19) VCF-style: chr17-37882004-G-T.
Other names: c.2680G>T, p.Asp894Tyr (NM_001382783.1, NM_001005862.3, NM_001382782.1); c.2887G>T, p.Asp963Tyr (NM_001382784.1); c.2872G>T, p.Asp958Tyr (NM_001382785.1); c.2851G>T, p.Asp951Tyr (NM_001382786.1); c.2845G>T, p.Asp949Tyr (NM_001382787.1); c.2800G>T, p.Asp934Tyr (NM_001382788.1); c.2791G>T, p.Asp931Tyr (NM_001382789.1); c.2767G>T, p.Asp923Tyr (NM_001382790.1); and 15 more; short protein forms D864Y, D908Y, D909Y, D958Y, D963Y, D578Y, D862Y, D910Y.
Identifiers: ClinVar variation 2703592 (VCV002703592.3), dbSNP rs777570707, ClinGen allele CA399306730.